The following is an entry in ClinVar:

ClinVar aggregate classification (germline): Uncertain significance. Review status: criteria provided, multiple submitters, no conflicts (2 of 4 stars). 2 submissions from 2 submitters: Uncertain significance (2). Last evaluated 2026-06-22.

Conditions:
Aortic aneurysm, familial thoracic 7 (AAT7). Also called: AORTIC DISSECTION, FAMILIAL, WITH OR WITHOUT AORTIC ANEURYSM. Identifiers: MedGen C3151077, MONDO:0013418, OMIM 613780.
Familial thoracic aortic aneurysm and aortic dissection (TAAD). Also called: Thoracic aortic aneurysms and dissections. Identifiers: Orphanet 91387, MedGen C4707243, MONDO:0019625.

Submissions (2):

Ambry Genetics
Classification: Uncertain significance for Familial thoracic aortic aneurysm and aortic dissection. Last evaluated: 2026-06-22. Review status: criteria provided, single submitter. Criteria: Ambry Variant Classification Scheme 2023. Collection method: clinical testing. Allele origin: germline.
Comment: The p.S955F variant (also known as c.2864C>T), located in coding exon 15 of the MYLK gene, results from a C to T substitution at nucleotide position 2864. The serine at codon 955 is replaced by phenylalanine, an amino acid with highly dissimilar properties. This amino acid position is conserved. In addition, the in silico prediction for this alteration is inconclusive. Based on the available evidence, the clinical significance of this variant remains unclear.

Labcorp Genetics (formerly Invitae), Labcorp
Classification: Uncertain significance for Aortic aneurysm, familial thoracic 7. Last evaluated: 2025-04-23. Review status: criteria provided, single submitter. Criteria: Invitae Variant Classification Sherloc (09022015). Collection method: clinical testing. Allele origin: germline.
Comment: This sequence change replaces serine, which is neutral and polar, with phenylalanine, which is neutral and non-polar, at codon 955 of the MYLK protein (p.Ser955Phe). This variant is present in population databases (no rsID available, gnomAD 0.0009%). This variant has not been reported in the literature in individuals affected with MYLK-related conditions. Invitae Evidence Modeling of protein sequence and biophysical properties (such as structural, functional, and spatial information, amino acid conservation, physicochemical variation, residue mobility, and thermodynamic stability) indicates that this missense variant is not expected to disrupt MYLK protein function with a negative predictive value of 80%. In summary, the available evidence is currently insufficient to determine the role of this variant in disease. Therefore, it has been classified as a Variant of Uncertain Significance.

NM_053025.4(MYLK):c.2864C>T (p.Ser955Phe)

Gene: MYLK (myosin light chain kinase; minus strand). Cytogenetic location: 3q21.1.
Variant type: single nucleotide variant.
Coding change: c.2864C>T on transcript NM_053025.4 (MANE Select); coding-DNA position 2864, C replaced by T.
Protein change: p.Ser955Phe; replaces serine 955 with phenylalanine.
Molecular consequence: missense variant.
Genome position (GRCh38, 1-based): chr3:123,700,604, G>A on the plus strand (C>T on the coding strand, the complement: MYLK is on the minus strand). VCF-style: chr3-123700604-G-A. GRCh37 (hg19) VCF-style: chr3-123419451-G-A.
Other names: c.2336C>T, p.Ser779Phe (NM_001321309.2); c.2657C>T, p.Ser886Phe (NM_053026.4, NM_053028.4); c.2864C>T, p.Ser955Phe (NM_053027.4); c.2864C>T (NM_053025.3); short protein forms S886F, S779F, S955F.
Identifiers: ClinVar variation 4751604 (VCV004751604.2).
Genomic context (GRCh38, chr3:123,700,604, plus strand): 5'-TTTGGCGGTGGCACCTTCTCAGGCACGGGGGTCTTGGAAGTCCCCTTCTTGGCCAGGACA[G>A]AGCGAAAATCGACCTGCTGGGGGCTGTGCACCTTCCTCTCTTCCTCAGACACAGTCTTTG-3'
Protein context (NP_444253.3, residues 945-965): VHSPQQVDFR[Ser955Phe]VLAKKGTSKT